The following is an entry in ClinVar:

ClinVar aggregate classification (germline): Pathogenic/Likely pathogenic. Review status: criteria provided, multiple submitters, no conflicts (2 of 4 stars). 6 submissions from 6 submitters: Pathogenic (3); Likely pathogenic (1). 2 of the submissions do not count toward it. Last evaluated 2024-02-14.

Conditions:
Glutathione synthetase deficiency with 5-oxoprolinuria. Also called: Reduced glutathione synthetase level; 5-Oxoprolinuria; 5-OXOPROLINURIA DUE TO GLUTATHIONE SYNTHETASE DEFICIENCY; Gluthathione synthetase deficiency; PYROGLUTAMIC ACIDURIA. Identifiers: Orphanet 289846, MedGen C0398746, MONDO:0009947, OMIM 266130, HP:0003343.
Glutathione synthetase deficiency without 5-oxoprolinuria. Also called: ANEMIA, CONGENITAL, NONSPHEROCYTIC HEMOLYTIC, 6. Identifiers: Orphanet 289849, Orphanet 32, MedGen C1856399, MONDO:0009284, OMIM 231900.
Inherited glutathione synthetase deficiency. Identifiers: Orphanet 32, MedGen C5979912, MONDO:0017909.

Allele frequency attached by ClinVar (database versions not stated): TOPMed 0.00001; ExAC 0.00001; gnomAD 0.00001.
gnomAD v4.1: 22 of 1,613,760 alleles (0.0014%); highest among the groups gnomAD compares: Non-Finnish European, 0.0019%; no homozygotes.

Submissions (6):

Labcorp Genetics (formerly Invitae), Labcorp
Classification: Pathogenic for Glutathione synthetase deficiency with 5-oxoprolinuria. Last evaluated: 2024-02-14. Review status: criteria provided, single submitter. Criteria: Invitae Variant Classification Sherloc (09022015). Collection method: clinical testing. Allele origin: germline.
Comment: This sequence change replaces aspartic acid, which is acidic and polar, with glycine, which is neutral and non-polar, at codon 219 of the GSS protein (p.Asp219Gly). This variant is present in population databases (rs28938472, gnomAD 0.0009%). This missense change has been observed in individual(s) with glutathione synthetase deficiency (PMID: 8896573, 11167850, 15717202). It has also been observed to segregate with disease in related individuals. ClinVar contains an entry for this variant (Variation ID: 8531). Advanced modeling of protein sequence and biophysical properties (such as structural, functional, and spatial information, amino acid conservation, physicochemical variation, residue mobility, and thermodynamic stability) has been performed at Invitae for this missense variant, however the output from this modeling did not meet the statistical confidence thresholds required to predict the impact of this variant on GSS protein function. Experimental studies have shown that this missense change affects GSS function (PMID: 15056072). This variant disrupts the p.Asp219 amino acid residue in GSS. Other variant(s) that disrupt this residue have been determined to be pathogenic (PMID: 9215686). This suggests that this residue is clinically significant, and that variants that disrupt this residue are likely to be disease-causing. For these reasons, this variant has been classified as Pathogenic.

Fulgent Genetics
Classification: Likely pathogenic for Glutathione synthetase deficiency without 5-oxoprolinuria; Glutathione synthetase deficiency with 5-oxoprolinuria. Last evaluated: 2024-01-23. Review status: criteria provided, single submitter. Criteria: ACMG Guidelines, 2015. Collection method: clinical testing. Allele origin: germline.

GeneDx
Classification: Pathogenic. Last evaluated: 2023-08-30. Review status: criteria provided, single submitter. Criteria: GeneDx Variant Classification Process June 2021. Collection method: clinical testing. Allele origin: germline. Affected: yes.
Comment: Observed with a second GSS variant on the opposite allele (in trans) in a patient with a mild form of glutathione synthetase deficiency in the published literature (Signolet et al., 2016); Published functional studies demonstrate a damaging, yet milder, effect than the other variants in the GSS gene included in this analysis (Njalsson et al., 2004); In silico analysis supports that this missense variant has a deleterious effect on protein structure/function; Not observed at significant frequency in large population cohorts (gnomAD); This variant is associated with the following publications: (PMID: 31589614, 15056072, 11167850, 5476481, 8896573, 27581854)

Women's Health and Genetics/Laboratory Corporation of America, LabCorp
Classification: Pathogenic for Gluthathione synthetase deficiency. Last evaluated: 2020-01-13. Review status: criteria provided, single submitter. Criteria: LabCorp Variant Classification Summary - May 2015. Collection method: clinical testing. Allele origin: germline.
Comment: Variant summary: GSS c.656A>G (p.Asp219Gly) results in a non-conservative amino acid change located in the Glutathione synthase, substrate-binding domain of the encoded protein sequence. Five of five in-silico tools predict a damaging effect of the variant on protein function. The variant allele was found at a frequency of 4e-06 in 251476 control chromosomes. c.656A>G has been reported in the literature in multiple individuals affected with Glutathione Synthetase Deficiency (ie. Njalsson_2005, Corrons_2001, Shi_1996). These data indicate that the variant is very likely to be associated with disease. One clinical diagnostic laboratory has submitted clinical-significance assessments for this variant to ClinVar after 2014 without evidence for independent evaluation. One laboratory classified the variant as pathogenic. Based on the evidence outlined above, the variant was classified as pathogenic.

Biochemical Molecular Genetic Laboratory, King Abdulaziz Medical City
Classification: Pathogenic for Glutathione synthetase deficiency with 5-oxoprolinuria. Last evaluated: 2019-08-25. Review status: no assertion criteria provided. Collection method: clinical testing. Allele origin: germline. Affected: yes. Not counted in ClinVar's aggregate classification.

OMIM
Classification: Pathogenic for ANEMIA, CONGENITAL, NONSPHEROCYTIC HEMOLYTIC, 6. Last evaluated: 2001-02-01. Review status: no assertion criteria provided. Collection method: literature only. Allele origin: germline. Not counted in ClinVar's aggregate classification.

Literature cited by the submitters: PubMed 8896573 (cited by 3 submitters); PubMed 11167850 (cited by 3 submitters); PubMed 15717202 (cited by Labcorp Genetics (formerly Invitae), Labcorp and Women's Health and Genetics/Laboratory Corporation of America, LabCorp); PubMed 15056072 (cited by Labcorp Genetics (formerly Invitae), Labcorp); PubMed 9215686 (cited by Labcorp Genetics (formerly Invitae), Labcorp); PubMed 5476481 (cited by OMIM).

NM_000178.4(GSS):c.656A>G (p.Asp219Gly)

Gene: GSS (glutathione synthetase; minus strand). Cytogenetic location: 20q11.22.
Variant type: single nucleotide variant.
Coding change: c.656A>G on transcript NM_000178.4 (MANE Select); coding-DNA position 656, A replaced by G.
Protein change: p.Asp219Gly; replaces aspartic acid 219 with glycine.
Molecular consequence: missense variant.
Genome position (GRCh38, 1-based): chr20:34,936,976, T>C on the plus strand (A>G on the coding strand, the complement: GSS is on the minus strand). VCF-style: chr20-34936976-T-C. GRCh37 (hg19) VCF-style: chr20-33524779-T-C.
Other names: c.656A>G (NM_000178.2); c.656A>G, p.Asp219Gly (LRG_1168t1, NM_001322494.1, NM_001322495.1); short protein forms D219G.
Identifiers: ClinVar variation 8531 (VCV000008531.9), dbSNP rs28938472, ClinGen allele CA119698.